The following is an entry in ClinVar:

ClinVar aggregate classification (germline): Uncertain significance (1 of 4 stars; one submission).

Conditions:
Inborn genetic diseases. Identifiers: MedGen C0950123, MeSH D030342.

Submission:

Ambry Genetics
Classification: Uncertain significance for Inborn genetic diseases. Last evaluated: 2023-05-02. Review status: criteria provided, single submitter. Criteria: Ambry Variant Classification Scheme 2023. Collection method: clinical testing. Allele origin: germline.
Comment: The p.L791V variant (also known as c.2371T>G), located in coding exon 19 of the LRRK2 gene, results from a T to G substitution at nucleotide position 2371. The leucine at codon 791 is replaced by valine, an amino acid with highly similar properties. This amino acid position is conserved. In addition, this alteration is predicted to be tolerated by in silico analysis. Since supporting evidence is limited at this time, the clinical significance of this alteration remains unclear.

NM_198578.4(LRRK2):c.2371T>G (p.Leu791Val)

Gene: LRRK2 (leucine rich repeat kinase 2; plus strand). Cytogenetic location: 12q12.
Variant type: single nucleotide variant.
Coding change: c.2371T>G on transcript NM_198578.4 (MANE Select); coding-DNA position 2371, T replaced by G.
Protein change: p.Leu791Val; replaces leucine 791 with valine.
Molecular consequence: missense variant.
Genome position (GRCh38, 1-based): chr12:40,284,004, T>G. VCF-style: chr12-40284004-T-G. GRCh37 (hg19) VCF-style: chr12-40677806-T-G.
Other names: short protein forms L791V.
Identifiers: ClinVar variation 2567381 (VCV002567381.2), dbSNP rs2499664659, ClinGen allele CA384406731.